The following is an entry in ClinVar:

ClinVar aggregate classification (germline): Uncertain significance. Review status: criteria provided, multiple submitters, no conflicts (2 of 4 stars). 2 submissions from 2 submitters: Uncertain significance (2). Last evaluated 2022-02-13.

Conditions:
Hereditary cancer-predisposing syndrome. Also called: Hereditary Cancer Syndrome; Neoplastic Syndromes, Hereditary; Tumor predisposition; Hereditary neoplastic syndrome. Identifiers: Orphanet 140162, MedGen C0027672, MeSH D009386, MONDO:0015356.
Haddad syndrome (OHD). Also called: Ondine-Hirschsprung disease. Identifiers: Orphanet 99803, MedGen C1859049, MONDO:0020493.

Allele frequency attached by ClinVar (database versions not stated): gnomAD exomes below 0.00001; TOPMed below 0.00001.
gnomAD v4.1: 1 of 1,610,682 alleles (0.000062%); no homozygotes.

Submissions (2):

Ambry Genetics
Classification: Uncertain significance for Hereditary cancer-predisposing syndrome. Last evaluated: 2022-02-13. Review status: criteria provided, single submitter. Criteria: Ambry Variant Classification Scheme 2023. Collection method: clinical testing. Allele origin: germline.
Comment: The p.R96G variant (also known as c.286C>G), located in coding exon 2 of the PHOX2B gene, results from a C to G substitution at nucleotide position 286. The arginine at codon 96 is replaced by glycine, an amino acid with dissimilar properties. This amino acid position is conserved. In addition, this alteration is predicted to be deleterious by in silico analysis. Since supporting evidence is limited at this time, the clinical significance of this alteration remains unclear.

Labcorp Genetics (formerly Invitae), Labcorp
Classification: Uncertain significance for Haddad syndrome. Last evaluated: 2020-03-24. Review status: criteria provided, single submitter. Criteria: Invitae Variant Classification Sherloc (09022015). Collection method: clinical testing. Allele origin: germline.
Comment: In summary, the available evidence is currently insufficient to determine the role of this variant in disease. Therefore, it has been classified as a Variant of Uncertain Significance. Algorithms developed to predict the effect of missense changes on protein structure and function (SIFT, PolyPhen-2, Align-GVGD) all suggest that this variant is likely to be disruptive, but these predictions have not been confirmed by published functional studies and their clinical significance is uncertain. This variant has not been reported in the literature in individuals with PHOX2B-related conditions. This variant is not present in population databases (ExAC no frequency). This sequence change replaces arginine with glycine at codon 96 of the PHOX2B protein (p.Arg96Gly). The arginine residue is highly conserved and there is a moderate physicochemical difference between arginine and glycine.

NM_003924.4(PHOX2B):c.286C>G (p.Arg96Gly)

Gene: PHOX2B (paired like homeobox 2B; minus strand). Cytogenetic location: 4p13.
Variant type: single nucleotide variant.
Coding change: c.286C>G on transcript NM_003924.4 (MANE Select); coding-DNA position 286, C replaced by G.
Protein change: p.Arg96Gly; replaces arginine 96 with glycine.
Molecular consequence: missense variant.
Genome position (GRCh38, 1-based): chr4:41,747,492, G>C on the plus strand (C>G on the coding strand, the complement: PHOX2B is on the minus strand). VCF-style: chr4-41747492-G-C. GRCh37 (hg19) VCF-style: chr4-41749509-G-C.
Other names: short protein forms R96G.
Identifiers: ClinVar variation 1023168 (VCV001023168.11), dbSNP rs1450088667, ClinGen allele CA356740448.